The following is an entry in ClinVar:

NM_130837.3(OPA1):c.2945T>G (p.Leu982Trp)

Gene: OPA1 (OPA1 mitochondrial dynamin like GTPase; plus strand). Cytogenetic location: 3q29.
Variant type: single nucleotide variant.
Coding change: c.2945T>G on transcript NM_130837.3 (MANE Select); coding-DNA position 2945, T replaced by G.
Protein change: p.Leu982Trp; replaces leucine 982 with tryptophan.
Molecular consequence: missense variant.
Genome position (GRCh38, 1-based): chr3:193,667,242, T>G. VCF-style: chr3-193667242-T-G. GRCh37 (hg19) VCF-style: chr3-193385031-T-G.
Other names: c.2411T>G, p.Leu804Trp (NM_001354663.2); c.2408T>G, p.Leu803Trp (NM_001354664.2); c.2780T>G, p.Leu927Trp (NM_015560.3); c.2672T>G, p.Leu891Trp (NM_130831.3); c.2726T>G, p.Leu909Trp (NM_130832.3); c.2783T>G, p.Leu928Trp (NM_130833.3); c.2834T>G, p.Leu945Trp (NM_130834.3); c.2837T>G, p.Leu946Trp (NM_130835.3); and 1 more; short protein forms L803W, L804W, L927W, L945W, L891W, L946W, L909W, L928W.
Identifiers: ClinVar variation 1503141 (VCV001503141.8), dbSNP rs2109277811, ClinGen allele CA355797648.

ClinVar aggregate classification (germline): Uncertain significance (1 of 4 stars; one submission).

Allele frequency attached by ClinVar (database versions not stated): gnomAD exomes below 0.00001.
gnomAD v4.1: 1 of 1,604,536 alleles (0.000062%); highest among the groups gnomAD compares: Middle Eastern, 0.017%; no homozygotes.

Submission:

Labcorp Genetics (formerly Invitae), Labcorp
Classification: Uncertain significance. Last evaluated: 2025-03-10. Review status: criteria provided, single submitter. Criteria: Invitae Variant Classification Sherloc (09022015). Collection method: clinical testing. Allele origin: germline.
Comment: This sequence change replaces leucine, which is neutral and non-polar, with tryptophan, which is neutral and slightly polar, at codon 927 of the OPA1 protein (p.Leu927Trp). This variant is not present in population databases (gnomAD no frequency). This variant has not been reported in the literature in individuals affected with OPA1-related conditions. ClinVar contains an entry for this variant (Variation ID: 1503141). Invitae Evidence Modeling of protein sequence and biophysical properties (such as structural, functional, and spatial information, amino acid conservation, physicochemical variation, residue mobility, and thermodynamic stability) indicates that this missense variant is expected to disrupt OPA1 protein function with a positive predictive value of 80%. In summary, the available evidence is currently insufficient to determine the role of this variant in disease. Therefore, it has been classified as a Variant of Uncertain Significance.